The following is an entry in ClinVar:

NM_004380.3(CREBBP):c.3982+9C>T

Gene: CREBBP (CREB binding lysine acetyltransferase; minus strand). Cytogenetic location: 16p13.3.
Variant type: single nucleotide variant.
Coding change: c.3982+9C>T on transcript NM_004380.3 (MANE Select); 9 bases into the intron after coding-DNA position 3982, C replaced by T.
Molecular consequence: intron variant.
Genome position (GRCh38, 1-based): chr16:3,744,885, G>A on the plus strand (C>T on the coding strand, the complement: CREBBP is on the minus strand). VCF-style: chr16-3744885-G-A. GRCh37 (hg19) VCF-style: chr16-3794886-G-A.
Other names: c.3868+9C>T (NM_001079846.1).
Identifiers: ClinVar variation 772632 (VCV000772632.14), dbSNP rs114668693, ClinGen allele CA7869652.

ClinVar aggregate classification (germline): Benign/Likely benign. Review status: criteria provided, multiple submitters, no conflicts (2 of 4 stars). 4 submissions from 4 submitters: Benign (1); Likely benign (2). 1 of the submissions does not count toward it. Last evaluated 2026-01-23.

Conditions:
Rubinstein-Taybi syndrome (RSTS). Identifiers: Orphanet 783, MedGen C0035934, MONDO:0019188.
CREBBP-related disorder. Also called: CREBBP-related disorders; CREBBP-related condition.
Menke-Hennekam syndrome 1 (MKHK1). Identifiers: MedGen C5193034, MONDO:0020763, OMIM 618332.
Rubinstein-Taybi syndrome due to CREBBP mutations (RSTS1). Also called: BROAD THUMB-HALLUX SYNDROME; BROAD THUMBS AND GREAT TOES, CHARACTERISTIC FACIES, AND IMPAIRED INTELLECTUAL DEVELOPMENT; RUBINSTEIN-TAYBI SYNDROME 1, INCOMPLETE; RUBINSTEIN SYNDROME; CREBBP-Related Rubinstein-Taybi Syndrome; Rubinstein-Taybi syndrome 1. Identifiers: Orphanet 353277, Orphanet 783, MedGen C4551859, MONDO:0008393, OMIM 180849.

Allele frequency attached by ClinVar (database versions not stated): gnomAD exomes 0.00009; ExAC 0.00013; TOPMed 0.00027; gnomAD 0.00030 and 0.00031; 1000 Genomes Project 30x 0.00031; ESP Exome Variant Server 0.00031; 1000 Genomes Project 0.00040.
gnomAD v4.1: 92 of 1,610,358 alleles (0.0057%); highest among the groups gnomAD compares: African/African-American, 0.1%; no homozygotes.

Submissions (4):

Labcorp Genetics (formerly Invitae), Labcorp
Classification: Benign for Rubinstein-Taybi syndrome. Last evaluated: 2026-01-23. Review status: criteria provided, single submitter. Criteria: Invitae Variant Classification Sherloc (09022015). Collection method: clinical testing. Allele origin: germline.

Blueprint Genetics
Classification: Likely benign. Last evaluated: 2023-10-05. Review status: criteria provided, single submitter. Criteria: ACMG Guidelines, 2015. Collection method: clinical testing. Allele origin: germline.

Fulgent Genetics
Classification: Likely benign for Rubinstein-Taybi syndrome due to CREBBP mutations; Menke-Hennekam syndrome 1. Last evaluated: 2021-11-03. Review status: criteria provided, single submitter. Criteria: ACMG Guidelines, 2015. Collection method: clinical testing. Allele origin: unknown.

PreventionGenetics, part of Exact Sciences
Classification: Likely benign for CREBBP-related condition. Last evaluated: 2021-05-27. Review status: no assertion criteria provided. Collection method: clinical testing. Allele origin: germline. Not counted in ClinVar's aggregate classification.
Comment: This variant is classified as likely benign based on ACMG/AMP sequence variant interpretation guidelines (Richards et al. 2015 PMID: 25741868, with internal and published modifications).